The following is an entry in ClinVar:

NM_001376571.1(MADD):c.268C>T (p.Arg90Ter)

Gene: MADD (MAP kinase activating death domain; plus strand). Cytogenetic location: 11p11.2.
Variant type: single nucleotide variant.
Coding change: c.268C>T on transcript NM_001376571.1 (MANE Select); coding-DNA position 268, C replaced by T.
Protein change: p.Arg90Ter; replaces arginine 90 with a stop codon.
Molecular consequence: nonsense. On other transcripts: non-coding transcript variant (8), intron variant (1).
Genome position (GRCh38, 1-based): chr11:47,274,768, C>T. VCF-style: chr11-47274768-C-T. GRCh37 (hg19) VCF-style: chr11-47296319-C-T.
Other names: c.268C>T, p.Arg90Ter (NM_001135943.2, NM_001135944.2, NM_001376572.1 and 80 more transcripts); c.64C>T, p.Arg22Ter (NM_001376620.1, NM_001376626.1, NM_001376627.1 and 9 more transcripts); c.-7-1131C>T (NM_001376663.1); short protein forms R22*, R90*.
Identifiers: ClinVar variation 2507161 (VCV002507161.2), dbSNP rs1200178932, ClinGen allele CA380320422.
Genomic context (GRCh38, chr11:47,274,768, plus strand): 5'-AGCCTTCGGGATGATACCTCTTTTGTCTTCACCCTCACTGACAAGGACACTGGAGTCACG[C>T]GATATGGCATCTGTGTTAACTTCTACCGCTCCTTCCAAAAGCGAATCTCTAAGGAGAAGG-3'

ClinVar aggregate classification (germline): Likely pathogenic (1 of 4 stars; one submission).

Allele frequency attached by ClinVar (database versions not stated): gnomAD exomes below 0.00001; TOPMed below 0.00001; gnomAD 0.00001.
gnomAD v4.1: 5 of 1,614,100 alleles (0.00031%); highest among the groups gnomAD compares: Admixed American, 0.0017%; no homozygotes.

Submission:

GeneDx
Classification: Likely pathogenic. Last evaluated: 2024-05-20. Review status: criteria provided, single submitter. Criteria: GeneDx Variant Classification Process June 2021. Collection method: clinical testing. Allele origin: germline. Affected: yes.
Comment: Nonsense variant predicted to result in protein truncation or nonsense mediated decay in a gene for which loss of function is a known mechanism of disease; Not observed at significant frequency in large population cohorts (gnomAD); Has not been previously published as pathogenic or benign to our knowledge